The following is an entry in ClinVar:

NM_001142800.2(EYS):c.6302C>G (p.Ser2101Cys)

Gene: EYS (EGF-like photoreceptor maintenance factor; minus strand). Cytogenetic location: 6q12.
Variant type: single nucleotide variant.
Coding change: c.6302C>G on transcript NM_001142800.2 (MANE Select); coding-DNA position 6302, C replaced by G.
Protein change: p.Ser2101Cys; replaces serine 2101 with cysteine.
Molecular consequence: missense variant.
Genome position (GRCh38, 1-based): chr6:64,230,714, G>C on the plus strand (C>G on the coding strand, the complement: EYS is on the minus strand). VCF-style: chr6-64230714-G-C. GRCh37 (hg19) VCF-style: chr6-64940607-G-C.
Other names: c.6302C>G, p.Ser2101Cys (NM_001292009.2); short protein forms S2101C.
Identifiers: ClinVar variation 2054013 (VCV002054013.4), dbSNP rs779392354, ClinGen allele CA364391405.

ClinVar aggregate classification (germline): Uncertain significance (1 of 4 stars; one submission).

gnomAD v4.1: 1 of 1,551,596 alleles (0.000064%); highest among the groups gnomAD compares: African/African-American, 0.0014%; no homozygotes.

Submission:

Labcorp Genetics (formerly Invitae), Labcorp
Classification: Uncertain significance. Last evaluated: 2021-12-24. Review status: criteria provided, single submitter. Criteria: Invitae Variant Classification Sherloc (09022015). Collection method: clinical testing. Allele origin: germline.
Comment: This sequence change replaces serine, which is neutral and polar, with cysteine, which is neutral and slightly polar, at codon 2101 of the EYS protein (p.Ser2101Cys). In summary, the available evidence is currently insufficient to determine the role of this variant in disease. Therefore, it has been classified as a Variant of Uncertain Significance. Algorithms developed to predict the effect of sequence changes on RNA splicing suggest that this variant may create or strengthen a splice site. Algorithms developed to predict the effect of missense changes on protein structure and function are either unavailable or do not agree on the potential impact of this missense change (SIFT: "Tolerated"; PolyPhen-2: "Possibly Damaging"; Align-GVGD: "Class C15"). This variant has not been reported in the literature in individuals affected with EYS-related conditions. This variant is not present in population databases (gnomAD no frequency).